The following is an entry in ClinVar:

ClinVar aggregate classification (germline): Uncertain significance (0 of 4 stars; one submission).

Allele frequency attached by ClinVar (database versions not stated): gnomAD exomes 0.00003 and 0.00001; gnomAD 0.00008 and 0.00009; ESP Exome Variant Server 0.00010; TOPMed 0.00011; 1000 Genomes Project 30x 0.00047; 1000 Genomes Project 0.00040; ExAC 0.00003.
gnomAD v4.1: 29 of 1,612,732 alleles (0.0018%); highest among the groups gnomAD compares: African/African-American, 0.031%; no homozygotes.

Submission:

Department of Pathology and Laboratory Medicine, Sinai Health System
Classification: Uncertain significance. Review status: no assertion criteria provided. Collection method: clinical testing. Allele origin: unknown. Affected: yes. Study: The Canadian Open Genetics Repository (COGR).
Comment: The IGF2 p.Gln54His variant was not identified in the literature nor was it identified in ClinVar, Cosmic or LOVD 3.0. The variant was identified in dbSNP (ID: rs371300605) and in control databases in 10 of 278822 chromosomes at a frequency of 0.000036 (Genome Aggregation Database Feb 27, 2017). The variant was observed in the following populations: African in 9 of 24014 chromosomes (freq: 0.000375) and Other in 1 of 7098 chromosomes (freq: 0.000141), but was not observed in the Latino, Ashkenazi Jewish, East Asian, European (Finnish), European (non-Finnish) or South Asian populations. The p.Gln54 residue is conserved in mammals but not in more distantly related organisms however four out of five computational analyses (SIFT, AlignGVGD, BLOSUM, MutationTaster) do not suggest a high likelihood of impact to the protein; this information is not predictive enough to rule out pathogenicity. The p.Gln54His variant occurs in the last base of the exon; this position has been shown to be part of the splicing consensus sequence and variants involving this position sometimes affect splicing. In addition, 4 of 4 in silico or computational prediction software programs (SpliceSiteFinder, MaxEntScan, NNSPLICE, GeneSplicer) predict a greater than 10% difference in splicing. In summary, based on the above information the clinical significance of this variant cannot be determined with certainty at this time. This variant is classified as a variant of uncertain significance.

NM_001127598.3(IGF2):c.162G>C (p.Gln54His)

Genes: IGF2 (insulin like growth factor 2; minus strand), INS-IGF2 (INS-IGF2 readthrough; minus strand). Cytogenetic location: 11p15.5.
Variant type: single nucleotide variant.
Coding change: c.162G>C on transcript NM_001127598.3; coding-DNA position 162, G replaced by C.
Protein change: p.Gln54His; replaces glutamine 54 with histidine.
Molecular consequence: missense variant. On other transcripts: intron variant (2).
Genome position (GRCh38, 1-based): chr11:2,140,135, C>G on the plus strand (G>C on the coding strand, the complement: IGF2 is on the minus strand). VCF-style: chr11-2140135-C-G. GRCh37 (hg19) VCF-style: chr11-2161365-C-G.
Other names: c.-6-4606G>C (NM_001007139.6); c.-7+722G>C (NM_001291862.3); short protein forms Q54H.
Identifiers: ClinVar variation 1050588 (VCV001050588.3), dbSNP rs371300605, ClinGen allele CA5817786.
Genomic context (GRCh38, chr11:2,140,135, plus strand): 5'-CGGAGGCTCCGGCCGCCAGAGGAGAGAGGATCAGGGCGGGAAACACAGCTCAAATCCTAC[C>G]TGCATGGCCGAGCTCACCGGGGTGCGTCTAAGTAGCTCGCCTTTGCGGCCCACCCAAAAT-3'